The following is an entry in ClinVar:

ClinVar aggregate classification (germline): Uncertain significance (1 of 4 stars; one submission).

Conditions:
Inborn genetic diseases. Identifiers: MedGen C0950123, MeSH D030342.

Submission:

Ambry Genetics
Classification: Uncertain significance for Inborn genetic diseases. Last evaluated: 2021-11-05. Review status: criteria provided, single submitter. Criteria: Ambry Variant Classification Scheme 2023. Collection method: clinical testing. Allele origin: germline.
Comment: The p.M3671V variant (also known as c.11011A>G), located in coding exon 60 of the DST gene, results from an A to G substitution at nucleotide position 11011. The methionine at codon 3671 is replaced by valine, an amino acid with highly similar properties. This amino acid position is not well conserved in available vertebrate species. In addition, this alteration is predicted to be tolerated by in silico analysis. Since supporting evidence is limited at this time, the clinical significance of this alteration remains unclear.

NM_001374736.1(DST):c.17368A>G (p.Met5790Val)

Gene: DST (dystonin; minus strand). Cytogenetic location: 6p12.1.
Variant type: single nucleotide variant.
Coding change: c.17368A>G on transcript NM_001374736.1 (MANE Select); coding-DNA position 17368, A replaced by G.
Protein change: p.Met5790Val; replaces methionine 5790 with valine.
Molecular consequence: missense variant. On other transcripts: intron variant (2).
Genome position (GRCh38, 1-based): chr6:56,529,675, T>C on the plus strand (A>G on the coding strand, the complement: DST is on the minus strand). VCF-style: chr6-56529675-T-C. GRCh37 (hg19) VCF-style: chr6-56394473-T-C.
Other names: c.11011A>G, p.Met3671Val (NM_001144769.5); c.10597A>G, p.Met3533Val (NM_001144770.2); c.17368A>G, p.Met5790Val (NM_001374722.1); c.17395A>G, p.Met5799Val (NM_001374734.1); c.10477A>G, p.Met3493Val (NM_001386100.1, NM_183380.4); c.9499A>G, p.Met3167Val (NM_015548.5); c.10377+299A>G (NM_001374730.1); c.16635+299A>G (NM_001374729.1); short protein forms M3167V, M3671V, M5799V, M3533V, M5790V, M3493V.
Identifiers: ClinVar variation 1792363 (VCV001792363.2), dbSNP rs2534832876, ClinGen allele CA364508625.